The following is an entry in ClinVar:

ClinVar aggregate classification (germline): Pathogenic. Review status: reviewed by expert panel (3 of 4 stars). 5 submissions from 5 submitters: Pathogenic (1). 4 of the submissions do not count toward it. Last evaluated 2016-09-08.

Conditions:
Hereditary breast ovarian cancer syndrome. Also called: Hereditary breast and ovarian cancer syndrome (HBOC); Hereditary breast and ovarian cancer syndrome; Hereditary breast and ovarian cancer; Hereditary breast and/or ovarian cancer syndrome; Breast and ovarian cancer; BRCA1- and BRCA2-Associated Hereditary Breast and Ovarian Cancer. Identifiers: Orphanet 145, MedGen C0677776, MeSH D061325, MONDO:0003582. Disease mechanism: loss of function.
Breast-ovarian cancer, familial, susceptibility to, 1 (BROVCA1). Also called: OVARIAN CANCER, SUSCEPTIBILITY TO; BRCA1 Hereditary Breast and Ovarian Cancer. Identifiers: Orphanet 145, MedGen C2676676, MONDO:0011450, OMIM 604370. Disease mechanism: loss of function.

Submissions (5):

Evidence-based Network for the Interpretation of Germline Mutant Alleles (ENIGMA)
Classification: Pathogenic for Breast-ovarian cancer, familial, susceptibility to, 1. Last evaluated: 2016-09-08. Review status: reviewed by expert panel. Criteria: ENIGMA BRCA1/2 Classification Criteria (2015). Collection method: curation. Allele origin: germline.
Comment: Variant allele predicted to encode a truncated non-functional protein.

Women's Health and Genetics/Laboratory Corporation of America, LabCorp
Classification: Pathogenic for Hereditary breast ovarian cancer syndrome. Last evaluated: 2024-01-17. Review status: criteria provided, single submitter. Criteria: LabCorp Variant Classification Summary - May 2015. Collection method: clinical testing. Allele origin: germline. Not counted in ClinVar's aggregate classification.
Comment: Variant summary: BRCA1 c.144delG (p.Met48IlefsX2) results in a premature termination codon, predicted to cause absence of the protein due to nonsense mediated decay, which is a commonly known mechanism for disease. The variant was absent in 250126 control chromosomes (gnomAD). c.144delG has been reported in the literature in individuals affected with Hereditary Breast And Ovarian Cancer Syndrome (e.g. Figlioli_2021). The following publication has been ascertained in the context of this evaluation (PMID: 33573335). ClinVar contains an entry for this variant (Variation ID: 54256). Based on the evidence outlined above, the variant was classified as pathogenic.

Myriad Genetics, Inc.
Classification: Pathogenic for Breast-ovarian cancer, familial, susceptibility to, 1. Last evaluated: 2023-09-25. Review status: criteria provided, single submitter. Criteria: Myriad Autosomal Dominant, Autosomal Recessive and X-Linked Classification Criteria (2023). Collection method: clinical testing. Allele origin: unknown. Not counted in ClinVar's aggregate classification.
Comment: This variant is considered pathogenic. This variant creates a frameshift predicted to result in premature protein truncation.

Consortium of Investigators of Modifiers of BRCA1/2 (CIMBA), c/o University of Cambridge
Classification: Pathogenic for Breast-ovarian cancer, familial, susceptibility to, 1. Last evaluated: 2015-10-02. Review status: criteria provided, single submitter. Criteria: CIMBA Mutation Classification guidelines May 2016. Collection method: clinical testing. Allele origin: germline. Not counted in ClinVar's aggregate classification.

Breast Cancer Information Core (BIC) (BRCA1)
Classification: Pathogenic for Breast-ovarian cancer, familial 1. Last evaluated: 2002-05-29. Review status: no assertion criteria provided. Collection method: clinical testing. Allele origin: germline. Affected: yes. Observed: 1 variant allele. Not counted in ClinVar's aggregate classification.

Literature cited by the submitters: PubMed 33573335 (cited by Women's Health and Genetics/Laboratory Corporation of America, LabCorp).

NM_007294.4(BRCA1):c.144del (p.Met48fs)

Gene: BRCA1 (BRCA1 DNA repair associated; minus strand). Cytogenetic location: 17q21.31.
Variant type: Deletion.
Coding change: c.144del on transcript NM_007294.4 (MANE Select); coding-DNA position 144, one base deleted (G; older notation c.144delG).
Protein change: p.Met48fs; shifts the reading frame from methionine 48.
Molecular consequence: frameshift variant. On other transcripts: initiator codon variant (1), non-coding transcript variant (1).
Genome position (GRCh38, 1-based): chr17:43,106,524, C deleted on the plus strand (G on the coding strand, the reverse complement: BRCA1 is on the minus strand). VCF-style (leftmost placement, unchanged base first): chr17-43106523-GC-G. GRCh37 (hg19) VCF-style: chr17-41258540-GC-G.
Other names: 263delG; c.-45delG (NM_001407571.1, NM_001407853.1, NM_001407879.1 and 58 more transcripts); c.144delG, p.Met48Ilefs (NM_001407581.1, NM_001407582.1, NM_001407583.1 and 166 more transcripts); c.3delG, p.Met1Ilefs (NM_001407692.1, NM_001407694.1, NM_001407695.1 and 98 more transcripts); c.3del, p.Met1fs (NM_007297.4); c.144del, p.Met48fs (NM_007299.4, NM_007300.4); short protein forms M48fs, M1fs.
Identifiers: ClinVar variation 54256 (VCV000054256.8), dbSNP rs80357682, ClinGen allele CA000971.